The following is an entry in ClinVar:

NM_006031.6(PCNT):c.6299T>C (p.Met2100Thr)

Gene: PCNT (pericentrin; plus strand). Cytogenetic location: 21q22.3.
Variant type: single nucleotide variant.
Coding change: c.6299T>C on transcript NM_006031.6 (MANE Select); coding-DNA position 6299, T replaced by C.
Protein change: p.Met2100Thr; replaces methionine 2100 with threonine.
Molecular consequence: missense variant.
Genome position (GRCh38, 1-based): chr21:46,416,217, T>C. VCF-style: chr21-46416217-T-C. GRCh37 (hg19) VCF-style: chr21-47836131-T-C.
Other names: c.5945T>C, p.Met1982Thr (NM_001315529.2); short protein forms M1982T, M2100T.
Identifiers: ClinVar variation 3357266 (VCV003357266.1).

ClinVar aggregate classification (germline): Uncertain significance (0 of 4 stars; one submission).

Conditions:
PCNT-related disorder. Also called: PCNT-related condition.

gnomAD v4.1: 31 of 1,614,068 alleles (0.0019%); highest among the groups gnomAD compares: African/African-American, 0.004%; no homozygotes.

Submission:

PreventionGenetics, part of Exact Sciences
Classification: Uncertain significance for PCNT-related condition. Last evaluated: 2024-08-06. Review status: no assertion criteria provided. Collection method: clinical testing. Allele origin: germline.
Comment: The PCNT c.6299T>C variant is predicted to result in the amino acid substitution p.Met2100Thr. To our knowledge, this variant has not been reported in the literature. This variant is reported in 0.0018% of alleles in individuals of European (Non-Finnish) descent in gnomAD. At this time, the clinical significance of this variant is uncertain due to the absence of conclusive functional and genetic evidence.